The following is an entry in ClinVar:

NM_001368882.1(COL13A1):c.493A>G (p.Ile165Val)

Gene: COL13A1 (collagen type XIII alpha 1 chain; plus strand). Cytogenetic location: 10q22.1.
Variant type: single nucleotide variant.
Coding change: c.493A>G on transcript NM_001368882.1 (MANE Select); coding-DNA position 493, A replaced by G.
Protein change: p.Ile165Val; replaces isoleucine 165 with valine.
Molecular consequence: missense variant. On other transcripts: 5 prime UTR variant (1), intron variant (5).
Genome position (GRCh38, 1-based): chr10:69,880,533, A>G. VCF-style: chr10-69880533-A-G. GRCh37 (hg19) VCF-style: chr10-71640289-A-G.
Other names: c.466A>G, p.Ile156Val (NM_001130103.2, NM_080800.4, NM_080801.4 and 1 more transcripts); c.493A>G, p.Ile165Val (NM_001320951.2, NM_001368884.1); c.457A>G, p.Ile153Val (NM_001368883.1, NM_001368885.1); c.-108A>G (NM_001368886.1); c.403A>G, p.Ile135Val (NM_001368895.1); c.400-6923A>G (NM_080805.4, NM_001368897.1); c.373-6923A>G (NM_001368898.1, NM_080798.4, NM_001368896.1); short protein forms I135V, I153V, I156V, I165V.
Identifiers: ClinVar variation 1519912 (VCV001519912.8), dbSNP rs778302413, ClinGen allele CA376930915.
Genomic context (GRCh38, chr10:69,880,533, plus strand): 5'-CTCCCTCTCCCCCTTCCTCTCTCCCCGCAGGGGTCCCCCGGAGACGCTGGGCTGTCCATC[A>G]TTGGTCCCCGCGGCCCCCCTGTAAGTTGTTTTTGCTCTTCCTCGGGGTGTTGGGGGGATG-3'
Protein context (NP_001355811.1, residues 155-175): GSPGDAGLSI[Ile165Val]GPRGPPGQPG

ClinVar aggregate classification (germline): Uncertain significance (1 of 4 stars; one submission).

Allele frequency attached by ClinVar (database versions not stated): TOPMed 0.00001; gnomAD 0.00002.
gnomAD v4.1: 7 of 1,612,670 alleles (0.00043%); highest among the groups gnomAD compares: Non-Finnish European, 0.00059%; no homozygotes.

Submission:

Labcorp Genetics (formerly Invitae), Labcorp
Classification: Uncertain significance. Last evaluated: 2024-01-08. Review status: criteria provided, single submitter. Criteria: Invitae Variant Classification Sherloc (09022015). Collection method: clinical testing. Allele origin: germline.
Comment: This sequence change replaces isoleucine, which is neutral and non-polar, with valine, which is neutral and non-polar, at codon 156 of the COL13A1 protein (p.Ile156Val). This variant is present in population databases (no rsID available, gnomAD 0.005%). This variant has not been reported in the literature in individuals affected with COL13A1-related conditions. ClinVar contains an entry for this variant (Variation ID: 1519912). Algorithms developed to predict the effect of missense changes on protein structure and function output the following: SIFT: "Not Available"; PolyPhen-2: "Benign"; Align-GVGD: "Not Available". The valine amino acid residue is found in multiple mammalian species, which suggests that this missense change does not adversely affect protein function. In summary, the available evidence is currently insufficient to determine the role of this variant in disease. Therefore, it has been classified as a Variant of Uncertain Significance.